The following is an entry in ClinVar:

NM_032043.3(BRIP1):c.362C>T (p.Thr121Ile)

Gene: BRIP1 (BRCA1 interacting DNA helicase 1; minus strand). Cytogenetic location: 17q23.2.
Variant type: single nucleotide variant.
Coding change: c.362C>T on transcript NM_032043.3 (MANE Select); coding-DNA position 362, C replaced by T.
Protein change: p.Thr121Ile; replaces threonine 121 with isoleucine.
Molecular consequence: missense variant.
Genome position (GRCh38, 1-based): chr17:61,857,075, G>A on the plus strand (C>T on the coding strand, the complement: BRIP1 is on the minus strand). VCF-style: chr17-61857075-G-A. GRCh37 (hg19) VCF-style: chr17-59934436-G-A.
Other names: c.362C>T (NM_032043.2); short protein forms T121I.
Identifiers: ClinVar variation 1414257 (VCV001414257.10), dbSNP rs777630298, ClinGen allele CA400485294.

ClinVar aggregate classification (germline): Conflicting classifications of pathogenicity. Review status: criteria provided, conflicting classifications (1 of 4 stars). 2 submissions from 2 submitters: Uncertain significance (1); Likely benign (1). Last evaluated 2026-04-28.

Conditions:
Hereditary cancer-predisposing syndrome. Also called: Tumor predisposition; Neoplastic Syndromes, Hereditary; Hereditary Cancer Syndrome; Hereditary neoplastic syndrome. Identifiers: Orphanet 140162, MedGen C0027672, MeSH D009386, MONDO:0015356.
Familial cancer of breast. Also called: BREAST CANCER, FAMILIAL; Hereditary breast cancer; hereditary breast carcinoma. Identifiers: Orphanet 227535, MedGen C0346153, MONDO:0016419, OMIM 114480. Disease mechanism: loss of function.
Fanconi anemia complementation group J. Also called: BRIP1-Related Fanconi Anemia. Identifiers: Orphanet 84, MedGen C1836860, MONDO:0012187, OMIM 609054.

gnomAD v4.1: 2 of 1,614,006 alleles (0.00012%); highest among the groups gnomAD compares: South Asian, 0.0011%; no homozygotes.

Submissions (2):

Ambry Genetics
Classification: Likely benign for Hereditary cancer-predisposing syndrome. Last evaluated: 2026-04-28. Review status: criteria provided, single submitter. Criteria: Ambry Variant Classification Scheme 2023. Collection method: clinical testing. Allele origin: germline.

Labcorp Genetics (formerly Invitae), Labcorp
Classification: Uncertain significance for Familial cancer of breast; Fanconi anemia complementation group J. Last evaluated: 2020-11-22. Review status: criteria provided, single submitter. Criteria: Invitae Variant Classification Sherloc (09022015). Collection method: clinical testing. Allele origin: germline.
Comment: This sequence change replaces threonine with isoleucine at codon 121 of the BRIP1 protein (p.Thr121Ile). The threonine residue is weakly conserved and there is a moderate physicochemical difference between threonine and isoleucine. This variant is not present in population databases (ExAC no frequency). This variant has not been reported in the literature in individuals with BRIP1-related conditions. Algorithms developed to predict the effect of missense changes on protein structure and function (SIFT, PolyPhen-2, Align-GVGD) all suggest that this variant is likely to be tolerated, but these predictions have not been confirmed by published functional studies and their clinical significance is uncertain. In summary, the available evidence is currently insufficient to determine the role of this variant in disease. Therefore, it has been classified as a Variant of Uncertain Significance.